The following is an entry in ClinVar:

ClinVar aggregate classification (germline): Uncertain significance (1 of 4 stars; one submission).

Conditions:
Charcot-Marie-Tooth disease axonal type 2P. Also called: CHARCOT-MARIE-TOOTH NEUROPATHY, TYPE 2P; CHARCOT-MARIE-TOOTH DISEASE, AXONAL, TYPE 2G; CMT 2G; Charcot-Marie-Tooth Neuropathy Type 2G. Identifiers: Orphanet 300319, Orphanet 99941, MedGen C3280797, MONDO:0013753, OMIM 614436.

Submission:

Labcorp Genetics (formerly Invitae), Labcorp
Classification: Uncertain significance for Charcot-Marie-Tooth disease axonal type 2P. Last evaluated: 2022-11-29. Review status: criteria provided, single submitter. Criteria: Invitae Variant Classification Sherloc (09022015). Collection method: clinical testing. Allele origin: germline.
Comment: This sequence change replaces glutamine, which is neutral and polar, with glutamic acid, which is acidic and polar, at codon 283 of the LRSAM1 protein (p.Gln283Glu). This variant is not present in population databases (gnomAD no frequency). This variant has not been reported in the literature in individuals affected with LRSAM1-related conditions. Advanced modeling of protein sequence and biophysical properties (such as structural, functional, and spatial information, amino acid conservation, physicochemical variation, residue mobility, and thermodynamic stability) performed at Invitae indicates that this missense variant is not expected to disrupt LRSAM1 protein function. In summary, the available evidence is currently insufficient to determine the role of this variant in disease. Therefore, it has been classified as a Variant of Uncertain Significance.

NM_001005373.4(LRSAM1):c.847C>G (p.Gln283Glu)

Gene: LRSAM1 (leucine rich repeat and sterile alpha motif containing 1; plus strand). Cytogenetic location: 9q33.3.
Variant type: single nucleotide variant.
Coding change: c.847C>G on transcript NM_001005373.4 (MANE Select); coding-DNA position 847, C replaced by G.
Protein change: p.Gln283Glu; replaces glutamine 283 with glutamic acid.
Molecular consequence: missense variant. On other transcripts: non-coding transcript variant (2).
Genome position (GRCh38, 1-based): chr9:127,479,449, C>G. VCF-style: chr9-127479449-C-G. GRCh37 (hg19) VCF-style: chr9-130241728-C-G.
Other names: c.847C>G, p.Gln283Glu (NM_001005374.4, NM_001190723.3, NM_001384142.1 and 2 more transcripts); c.58C>G, p.Gln20Glu (NM_001384144.1); short protein forms Q283E, Q20E.
Identifiers: ClinVar variation 2817342 (VCV002817342.3), dbSNP rs1224692210, ClinGen allele CA374931210.